The following is an entry in ClinVar:

NM_001105206.3(LAMA4):c.503G>A (p.Arg168Lys)

Gene: LAMA4 (laminin subunit alpha 4; minus strand). Cytogenetic location: 6q21.
Variant type: single nucleotide variant.
Coding change: c.503G>A on transcript NM_001105206.3 (MANE Select); coding-DNA position 503, G replaced by A.
Protein change: p.Arg168Lys; replaces arginine 168 with lysine.
Molecular consequence: missense variant.
Genome position (GRCh38, 1-based): chr6:112,201,608, C>T on the plus strand (G>A on the coding strand, the complement: LAMA4 is on the minus strand). VCF-style: chr6-112201608-C-T. GRCh37 (hg19) VCF-style: chr6-112522809-C-T.
Other names: p.R168K:AGA>AAA; c.503G>A, p.Arg168Lys (NM_001105207.3, NM_002290.5); short protein forms R168K.
Identifiers: ClinVar variation 213597 (VCV000213597.21), dbSNP rs200368819, ClinGen allele CA323329.

ClinVar aggregate classification (germline): Conflicting classifications of pathogenicity. Review status: criteria provided, conflicting classifications (1 of 4 stars). 6 submissions from 6 submitters: Uncertain significance (5); Likely benign (1). Last evaluated 2025-12-29.

Conditions:
Cardiovascular phenotype. Identifiers: MedGen CN230736.
Dilated cardiomyopathy 1JJ (CMD1JJ). Identifiers: Orphanet 154, MedGen C3808935, MONDO:0014095, OMIM 615235.

Allele frequency attached by ClinVar (database versions not stated): gnomAD 0.00019 and 0.00023; gnomAD exomes 0.00006 and 0.00002; ExAC 0.00007; TOPMed 0.00030; ESP Exome Variant Server 0.00023.

Submissions (6):

Labcorp Genetics (formerly Invitae), Labcorp
Classification: Uncertain significance for Dilated cardiomyopathy 1JJ. Last evaluated: 2025-12-29. Review status: criteria provided, single submitter. Criteria: Invitae Variant Classification Sherloc (09022015). Collection method: clinical testing. Allele origin: germline.
Comment: This sequence change replaces arginine, which is basic and polar, with lysine, which is basic and polar, at codon 168 of the LAMA4 protein (p.Arg168Lys). This variant is present in population databases (rs200368819, gnomAD 0.07%), and has an allele count higher than expected for a pathogenic variant. This missense change has been observed in individual(s) with dilated cardiomyopathy (PMID: 31527676, 32746448, 35947370). ClinVar contains an entry for this variant (Variation ID: 213597). An algorithm developed to predict the effect of missense changes on protein structure and function (PolyPhen-2) suggests that this variant is likely to be disruptive. In summary, the available evidence is currently insufficient to determine the role of this variant in disease. Therefore, it has been classified as a Variant of Uncertain Significance.

Women's Health and Genetics/Laboratory Corporation of America, LabCorp
Classification: Likely benign. Last evaluated: 2025-07-18. Review status: criteria provided, single submitter. Criteria: LabCorp Variant Classification Summary - May 2015. Collection method: clinical testing. Allele origin: germline.
Comment: Variant summary: LAMA4 c.503G>A (p.Arg168Lys) results in a conservative amino acid change in the encoded protein sequence. Algorithms developed to predict the effect of missense changes on protein structure and function are either unavailable or do not agree on the potential impact of this missense change. This variant affects the last nucleotide of exon 5, therefore might also affect splicing. Several computational tools predict a significant impact on normal splicing: three predict the variant weakens the 5' donor site, one predicts no significant impact on splicing. However, these predictions have yet to be confirmed by functional studies. The variant allele was found at a frequency of 5.6e-05 in 251054 control chromosomes, predominantly at a frequency of 0.0008 within the African or African-American subpopulation in the gnomAD database. The observed variant frequency within African or African-American control individuals in the gnomAD database is approximately 32-fold of the estimated maximal expected allele frequency for a pathogenic variant in LAMA4 causing Cardiomyopathy phenotype (2.5e-05). c.503G>A has been observed in individuals affected with various forms of cardiomyopathy, including hypertrophic-, dilated- and unspecified forms (e.g. van Lint_2019, Ritter_2019, Burstein_2021, Dellefave-Castillo_2022), however in none of these cases were supportive evidence for causality provided. These reports do not provide unequivocal conclusions about association of the variant with Cardiomyopathy. To our knowledge, no experimental evidence demonstrating an impact on protein function has been reported. The following publications have been ascertained in the context of this evaluation (PMID: 30847666, 31527676, 32746448, 35947370). ClinVar contains an entry for this variant (Variation ID: 213597). Based on the evidence outlined above, the variant was classified as likely benign.

Ambry Genetics
Classification: Uncertain significance for Cardiovascular phenotype. Last evaluated: 2024-08-28. Review status: criteria provided, single submitter. Criteria: Ambry Variant Classification Scheme 2023. Collection method: clinical testing. Allele origin: germline.
Comment: The p.R168K variant (also known as c.503G>A), located in coding exon 4 of the LAMA4 gene, results from a G to A substitution at nucleotide position 503. The arginine at codon 168 is replaced by lysine, an amino acid with highly similar properties. This change occurs in the last base pair of coding exon 4, which makes it likely to have some effect on normal mRNA splicing; however, loss of function of LAMA4 has not been clearly established as a mechanism of disease. These nucleotide and amino acid positions are highly conserved in available vertebrate species. In silico splice site analysis predicts that this alteration will not have any significant effect on splicing. In addition, as a missense substitution the in silico prediction for this alteration is inconclusive. The evidence for this gene-disease relationship is limited; therefore, the clinical significance of this alteration is unclear.

Revvity Omics, Revvity
Classification: Uncertain significance for Dilated cardiomyopathy 1JJ. Last evaluated: 2023-12-11. Review status: criteria provided, single submitter. Criteria: ACMG Guidelines, 2015. Collection method: clinical testing. Allele origin: germline.

GeneDx
Classification: Uncertain significance. Last evaluated: 2023-10-18. Review status: criteria provided, single submitter. Criteria: GeneDx Variant Classification Process June 2021. Collection method: clinical testing. Allele origin: germline. Affected: yes.
Comment: Identified in a pediatric patient with DCM in published literature (Burstein et al., 2021); In silico analysis, which includes protein predictors and evolutionary conservation, supports a deleterious effect; This variant is associated with the following publications: (PMID: 32746448)

Fulgent Genetics
Classification: Uncertain significance for Dilated cardiomyopathy 1JJ. Last evaluated: 2021-11-18. Review status: criteria provided, single submitter. Criteria: ACMG Guidelines, 2015. Collection method: clinical testing. Allele origin: unknown.

Literature cited by the submitters: PubMed 31527676 (cited by 3 submitters); PubMed 32746448 (cited by Labcorp Genetics (formerly Invitae), Labcorp and Women's Health and Genetics/Laboratory Corporation of America, LabCorp); PubMed 35947370 (cited by Labcorp Genetics (formerly Invitae), Labcorp and Women's Health and Genetics/Laboratory Corporation of America, LabCorp); PubMed 30847666 (cited by Women's Health and Genetics/Laboratory Corporation of America, LabCorp and Ambry Genetics).